The following is an entry in ClinVar:

ClinVar aggregate classification (germline): Uncertain significance (1 of 4 stars; one submission).

Submission:

ARUP Laboratories, Molecular Genetics and Genomics, ARUP Laboratories
Classification: Uncertain significance. Last evaluated: 2025-05-28. Review status: criteria provided, single submitter. Criteria: ARUP Molecular Germline Variant Investigation Process 2024. Collection method: clinical testing. Allele origin: germline.
Comment: The TTN c.33347T>G; p.Met11116Arg variant is rare in the general population (<0.2% allele frequency in the Genome Aggregation Database) and has not been reported in the medical literature in association with dilated cardiomyopathy (DCM) or other TTN-related disease. The clinical relevance of rare missense variants in this gene, which are identified on average once per individual sequenced in affected populations (Herman 2012), is not well understood. Yet, evidence suggests that the vast majority of such missense variants do not contribute to the clinical outcome of DCM (Begay 2015). Thus, the clinical significance of the p.Met11116Arg variant cannot be determined with certainty. References: Begay RL et al. Role of Titin Missense Variants in Dilated Cardiomyopathy. J Am Heart Assoc. 2015 Nov 13;4(11). PMID: 26567375. Herman DS et al. Truncations of titin causing dilated cardiomyopathy. N Engl J Med. 2012 Feb 16;366(7):619-28. PMID: 22335739. Linke WA and Hamdani N. Gigantic business: titin properties and function through thick and thin. Circ Res 2014; 114(6): 1052-1068. PMID: 24625729.

NM_001267550.2(TTN):c.33347T>G (p.Met11116Arg)

Gene: TTN (titin; minus strand). Cytogenetic location: 2q31.2.
Variant type: single nucleotide variant.
Coding change: c.33347T>G on transcript NM_001267550.2 (MANE Select); coding-DNA position 33347, T replaced by G.
Protein change: p.Met11116Arg; replaces methionine 11116 with arginine.
Molecular consequence: missense variant. On other transcripts: intron variant (3).
Genome position (GRCh38, 1-based): chr2:178,680,325, A>C on the plus strand (T>G on the coding strand, the complement: TTN is on the minus strand). VCF-style: chr2-178680325-A-C. GRCh37 (hg19) VCF-style: chr2-179545052-A-C.
Other names: c.32396T>G, p.Met10799Arg (NM_001256850.1); c.29615T>G, p.Met9872Arg (NM_133378.4); c.13283-38008T>G (NM_003319.4); c.13859-38008T>G (NM_133437.4); c.13658-38008T>G (NM_133432.3); short protein forms M10799R, M11116R, M9872R.
Identifiers: ClinVar variation 4685850 (VCV004685850.1).